The following is an entry in ClinVar:

ClinVar aggregate classification (germline): Likely pathogenic (1 of 4 stars; one submission).

Submission:

Labcorp Genetics (formerly Invitae), Labcorp
Classification: Likely pathogenic. Last evaluated: 2025-06-29. Review status: criteria provided, single submitter. Criteria: Invitae Variant Classification Sherloc (09022015). Collection method: clinical testing. Allele origin: germline.
Comment: This sequence change affects a donor splice site in intron 41 of the CAD gene. It is expected to disrupt RNA splicing. Variants that disrupt the donor or acceptor splice site typically lead to a loss of protein function (PMID: 16199547), and loss-of-function variants in CAD are known to be pathogenic (PMID: 28007989, 32117025, 32820246, 33497533). This variant is not present in population databases (gnomAD no frequency). This variant has not been reported in the literature in individuals affected with CAD-related conditions. Algorithms developed to predict the effect of sequence changes on RNA splicing suggest that this variant may disrupt the consensus splice site. In summary, the currently available evidence indicates that the variant is pathogenic, but additional data are needed to prove that conclusively. Therefore, this variant has been classified as Likely Pathogenic.

Literature cited by the submitters: PubMed 16199547; PubMed 28007989; PubMed 32117025; PubMed 32820246; PubMed 33497533.

NM_004341.5(CAD):c.6378+1G>A

Genes: CAD (carbamoyl-phosphate synthetase 2, aspartate transcarbamylase, and dihydroorotase; plus strand), LOC126806172 (CDK7 strongly-dependent group 2 enhancer GRCh37_chr2:27465505-27466704; plus strand). Cytogenetic location: 2p23.3.
Variant type: single nucleotide variant.
Coding change: c.6378+1G>A on transcript NM_004341.5 (MANE Select); the canonical splice donor site of the intron after coding-DNA position 6378, G replaced by A.
Molecular consequence: splice donor variant.
Genome position (GRCh38, 1-based): chr2:27,242,776, G>A. VCF-style: chr2-27242776-G-A. GRCh37 (hg19) VCF-style: chr2-27465644-G-A.
Other names: c.6189+1G>A (NM_001306079.2).
Identifiers: ClinVar variation 4722274 (VCV004722274.1).